The following is an entry in ClinVar:

ClinVar aggregate classification (germline): Uncertain significance (1 of 4 stars; one submission).

Allele frequency attached by ClinVar (database versions not stated): TOPMed 0.00003; gnomAD 0.00004; ESP Exome Variant Server 0.00008; ExAC 0.00013.
gnomAD v4.1: 142 of 1,614,074 alleles (0.0088%); highest among the groups gnomAD compares: Non-Finnish European, 0.012%; no homozygotes.

Submission:

Ambry Genetics
Classification: Uncertain significance. Last evaluated: 2024-09-26. Review status: criteria provided, single submitter. Criteria: Ambry Variant Classification Scheme 2023. Collection method: clinical testing. Allele origin: germline.
Comment: The p.S1044A variant (also known as c.3130T>G), located in coding exon 4 of the ALPK2 gene, results from a T to G substitution at nucleotide position 3130. The serine at codon 1044 is replaced by alanine, an amino acid with similar properties. This amino acid position is conserved. In addition, this alteration is predicted to be tolerated by in silico analysis. Since supporting evidence is limited at this time, the clinical significance of this alteration remains unclear.

NM_052947.4(ALPK2):c.3130T>G (p.Ser1044Ala)

Gene: ALPK2 (alpha kinase 2; minus strand). Cytogenetic location: 18q21.31.
Variant type: single nucleotide variant.
Coding change: c.3130T>G on transcript NM_052947.4 (MANE Select); coding-DNA position 3130, T replaced by G.
Protein change: p.Ser1044Ala; replaces serine 1044 with alanine.
Molecular consequence: missense variant.
Genome position (GRCh38, 1-based): chr18:58,537,057, A>C on the plus strand (T>G on the coding strand, the complement: ALPK2 is on the minus strand). VCF-style: chr18-58537057-A-C. GRCh37 (hg19) VCF-style: chr18-56204289-A-C.
Other names: short protein forms S1044A.
Identifiers: ClinVar variation 1727968 (VCV001727968.3), dbSNP rs200953041, ClinGen allele CA8976955.
Genomic context (GRCh38, chr18:58,537,057, plus strand): 5'-CACCACTTAAAATATGATCCAACTGCACTTGGGAAGGAAATTGGGAAACCTTTTCATGGG[A>C]TGCACGAGGGAACCTCTCCTCAGTGCCACCTGCATGCTTGTCCTCAGGAATTGACACAGC-3'
Protein context (NP_443179.3, residues 1034-1054): GGTEERFPRA[Ser1044Ala]HEKVSQFPSQ